The following is an entry in ClinVar:

ClinVar aggregate classification (germline): Uncertain significance (1 of 4 stars; one submission).

Conditions:
Familial adenomatous polyposis 1 (FAP1). Also called: FAMILIAL ADENOMATOUS POLYPOSIS 1, ATTENUATED; POLYPOSIS, ADENOMATOUS INTESTINAL. Identifiers: MedGen C2713442, MONDO:0021056, OMIM 175100. Disease mechanism: loss of function.

Submission:

Labcorp Genetics (formerly Invitae), Labcorp
Classification: Uncertain significance for Familial adenomatous polyposis 1. Last evaluated: 2024-11-15. Review status: criteria provided, single submitter. Criteria: Invitae Variant Classification Sherloc (09022015). Collection method: clinical testing. Allele origin: germline.
Comment: This variant occurs in a non-coding region of the APC gene. It does not change the encoded amino acid sequence of the APC protein. This variant is not present in population databases (gnomAD no frequency). This variant has not been reported in the literature in individuals affected with APC-related conditions. ClinVar contains an entry for this variant (Variation ID: 537662). Experimental studies and prediction algorithms are not available or were not evaluated, and the functional significance of this variant is currently unknown. In summary, the available evidence is currently insufficient to determine the role of this variant in disease. Therefore, it has been classified as a Variant of Uncertain Significance.

NC_000005.10:g.112707457T>A

Gene: APC (APC regulator of Wnt signaling pathway; plus strand). Cytogenetic location: 5q22.2.
Variant type: single nucleotide variant.
Genome position: GRCh38 VCF-style: chr5-112707457-T-A. GRCh37 (hg19) VCF-style: chr5-112043154-T-A.
Identifiers: ClinVar variation 537662 (VCV000537662.7), dbSNP rs1312495728, ClinGen allele CA658796599.